The following is an entry in ClinVar:

NM_014845.6(FIG4):c.923C>T (p.Ala308Val)

Gene: FIG4 (FIG4 phosphoinositide 5-phosphatase; plus strand). Cytogenetic location: 6q21.
Variant type: single nucleotide variant.
Coding change: c.923C>T on transcript NM_014845.6 (MANE Select); coding-DNA position 923, C replaced by T.
Protein change: p.Ala308Val; replaces alanine 308 with valine.
Molecular consequence: missense variant.
Genome position (GRCh38, 1-based): chr6:109,743,156, C>T. VCF-style: chr6-109743156-C-T. GRCh37 (hg19) VCF-style: chr6-110064359-C-T.
Other names: short protein forms A308V.
Identifiers: ClinVar variation 1416786 (VCV001416786.7), dbSNP rs180689715, ClinGen allele CA3955946.

ClinVar aggregate classification (germline): Uncertain significance. Review status: criteria provided, multiple submitters, no conflicts (2 of 4 stars). 2 submissions from 2 submitters: Uncertain significance (2). Last evaluated 2021-08-27.

Conditions:
Inborn genetic diseases. Identifiers: MedGen C0950123, MeSH D030342.
Charcot-Marie-Tooth disease type 4. Also called: Charcot-Marie-Tooth, Type 4; Charcot-Marie-Tooth disease, type IV. Identifiers: Orphanet 64749, MedGen C4082197, MONDO:0018995.

Allele frequency attached by ClinVar (database versions not stated): gnomAD 0.00006 and 0.00009; ExAC 0.00014; 1000 Genomes Project 30x 0.00062; 1000 Genomes Project 0.00080.
gnomAD v4.1: 41 of 1,612,916 alleles (0.0025%); highest among the groups gnomAD compares: East Asian, 0.085%; no homozygotes.

Submissions (2):

Labcorp Genetics (formerly Invitae), Labcorp
Classification: Uncertain significance for Charcot-Marie-Tooth disease type 4. Last evaluated: 2021-08-27. Review status: criteria provided, single submitter. Criteria: Invitae Variant Classification Sherloc (09022015). Collection method: clinical testing. Allele origin: germline.
Comment: This sequence change replaces alanine with valine at codon 308 of the FIG4 protein (p.Ala308Val). The alanine residue is moderately conserved and there is a small physicochemical difference between alanine and valine. This variant is present in population databases (rs180689715, ExAC 0.2%). This variant has not been reported in the literature in individuals affected with FIG4-related conditions. Algorithms developed to predict the effect of missense changes on protein structure and function are either unavailable or do not agree on the potential impact of this missense change (SIFT: "Tolerated"; PolyPhen-2: "Possibly Damaging"; Align-GVGD: "Class C0"). In summary, the available evidence is currently insufficient to determine the role of this variant in disease. Therefore, it has been classified as a Variant of Uncertain Significance.

Ambry Genetics
Classification: Uncertain significance for Inborn genetic diseases. Last evaluated: 2019-09-28. Review status: criteria provided, single submitter. Criteria: Ambry Variant Classification Scheme 2023. Collection method: clinical testing. Allele origin: germline.
Comment: The p.A308V variant (also known as c.923C>T), located in coding exon 9 of the FIG4 gene, results from a C to T substitution at nucleotide position 923. The alanine at codon 308 is replaced by valine, an amino acid with similar properties. This amino acid position is highly conserved in available vertebrate species. In addition, the in silico prediction for this alteration is inconclusive. Since supporting evidence is limited at this time, the clinical significance of this alteration remains unclear.